The following is an entry in ClinVar:

ClinVar aggregate classification (germline): Uncertain significance. Review status: criteria provided, multiple submitters, no conflicts (2 of 4 stars). 2 submissions from 2 submitters: Uncertain significance (2). Last evaluated 2024-08-28.

Conditions:
Combined malonic and methylmalonic acidemia. Identifiers: Orphanet 289504, MedGen C3280314, MONDO:0013661, OMIM 614265.

Allele frequency attached by ClinVar (database versions not stated): gnomAD 0.00001; TOPMed 0.00001.
gnomAD v4.1: 12 of 1,614,026 alleles (0.00074%); highest among the groups gnomAD compares: South Asian, 0.0044%; no homozygotes.

Submissions (2):

GeneDx
Classification: Uncertain significance. Last evaluated: 2024-08-28. Review status: criteria provided, single submitter. Criteria: GeneDx Variant Classification Process June 2021. Collection method: clinical testing. Allele origin: germline. Affected: yes.
Comment: Not observed at significant frequency in large population cohorts (gnomAD); In silico analysis supports that this missense variant has a deleterious effect on protein structure/function; Has not been previously published as pathogenic or benign to our knowledge

Labcorp Genetics (formerly Invitae), Labcorp
Classification: Uncertain significance for Combined malonic and methylmalonic acidemia. Last evaluated: 2021-08-28. Review status: criteria provided, single submitter. Criteria: Invitae Variant Classification Sherloc (09022015). Collection method: clinical testing. Allele origin: germline.
Comment: This sequence change replaces arginine with cysteine at codon 318 of the ACSF3 protein (p.Arg318Cys). The arginine residue is moderately conserved and there is a large physicochemical difference between arginine and cysteine. This variant is not present in population databases (ExAC no frequency). This variant has not been reported in the literature in individuals affected with ACSF3-related conditions. Algorithms developed to predict the effect of missense changes on protein structure and function are either unavailable or do not agree on the potential impact of this missense change (SIFT: "Deleterious"; PolyPhen-2: "Probably Damaging"; Align-GVGD: "Class C0"). In summary, the available evidence is currently insufficient to determine the role of this variant in disease. Therefore, it has been classified as a Variant of Uncertain Significance.

NM_001243279.3(ACSF3):c.952C>T (p.Arg318Cys)

Gene: ACSF3 (acyl-CoA synthetase family member 3; plus strand). Cytogenetic location: 16q24.3.
Variant type: single nucleotide variant.
Coding change: c.952C>T on transcript NM_001243279.3 (MANE Select); coding-DNA position 952, C replaced by T.
Protein change: p.Arg318Cys; replaces arginine 318 with cysteine.
Molecular consequence: missense variant. On other transcripts: non-coding transcript variant (3).
Genome position (GRCh38, 1-based): chr16:89,112,221, C>T. VCF-style: chr16-89112221-C-T. GRCh37 (hg19) VCF-style: chr16-89178629-C-T.
Other names: c.952C>T, p.Arg318Cys (NM_001127214.4, NM_174917.5); c.157C>T, p.Arg53Cys (NM_001284316.2); c.952C>T (NM_174917.3); short protein forms R53C, R318C.
Identifiers: ClinVar variation 2156526 (VCV002156526.2), dbSNP rs745453668, ClinGen allele CA397139462.